The following is an entry in ClinVar:

ClinVar aggregate classification (germline): Likely pathogenic (1 of 4 stars; one submission).

Conditions:
Isolated focal cortical dysplasia type II (FCORD2). Also called: Focal cortical dysplasia type II; CORTICAL DYSPLASIA OF TAYLOR. Identifiers: Orphanet 268994, MedGen C1846385, MONDO:0011818, OMIM 607341, HP:0032051.

Submission:

Human Genome Lab, NIMHANS, National Institute of Mental Health and Neuro Sciences
Classification: Likely pathogenic for Isolated focal cortical dysplasia type II. Last evaluated: 2025-07-03. Review status: criteria provided, single submitter. Criteria: ACMG Guidelines, 2015. Collection method: clinical testing. Allele origin: somatic. Affected: yes. Observed: 3 variant alleles, 3 mosaic individuals.
Comment: The missense variant NM_004958.4(MTOR):c.4375G>C (p.Ala1459Pro) causes a change at the same amino acid residue as a previously established pathogenic variant. The p.Ala1459Pro variant is novel (not in any individuals) in 1kG All. The p.Ala1459Pro variant is novel (not in any individuals) in gnomAD. There is a small physicochemical difference between alanine and proline, which is not likely to impact secondary protein structure as these residues share similar properties. The gene MTOR has a low rate of benign missense variation as indicated by a high missense variants Z-Score of 9.49. The gene MTOR contains 52 pathogenic missense variants, indicating that missense variants are a common mechanism of disease in this gene. 3 variants within 6 amino acid positions of the variant p.Ala1459Pro have been shown to be pathogenic, while none have been shown to be benign. The p.Ala1459Pro missense variant is predicted to be damaging by both SIFT and PolyPhen2. The alanine residue at codon 1459 of MTOR is conserved in all mammalian species. The nucleotide c.4375 in MTOR is predicted conserved by GERP++ and PhyloP across 100 vertebrates. (ACMG Critera: PM2,PP2,PM1,PM5,PP3)

NM_004958.4(MTOR):c.4375G>C (p.Ala1459Pro)

Gene: MTOR (mechanistic target of rapamycin kinase; minus strand). Cytogenetic location: 1p36.22.
Variant type: single nucleotide variant.
Coding change: c.4375G>C on transcript NM_004958.4 (MANE Select); coding-DNA position 4375, G replaced by C.
Protein change: p.Ala1459Pro; replaces alanine 1459 with proline.
Molecular consequence: missense variant.
Genome position (GRCh38, 1-based): chr1:11,157,246, C>G on the plus strand (G>C on the coding strand, the complement: MTOR is on the minus strand). VCF-style: chr1-11157246-C-G. GRCh37 (hg19) VCF-style: chr1-11217303-C-G.
Other names: c.4375G>C, p.Ala1459Pro (NM_001386500.1); c.3127G>C, p.Ala1043Pro (NM_001386501.1); short protein forms A1043P, A1459P.
Identifiers: ClinVar variation 4879362 (VCV004879362.1).